The following is an entry in ClinVar:

NM_024009.3(GJB3):c.108C>T (p.Tyr36=)

Gene: GJB3 (gap junction protein beta 3; plus strand). Cytogenetic location: 1p34.3.
Variant type: single nucleotide variant.
Coding change: c.108C>T on transcript NM_024009.3 (MANE Select); coding-DNA position 108, C replaced by T.
Protein change: p.Tyr36=; no amino-acid change (tyrosine 36 retained).
Molecular consequence: synonymous variant.
Genome position (GRCh38, 1-based): chr1:34,784,870, C>T. VCF-style: chr1-34784870-C-T. GRCh37 (hg19) VCF-style: chr1-35250471-C-T.
Other names: c.108C>T, p.Tyr36= (NM_001005752.2).
Identifiers: ClinVar variation 3046327 (VCV003046327.4), dbSNP rs546531284, ClinGen allele CA754746.

ClinVar aggregate classification (germline): Likely benign. Review status: criteria provided, single submitter (1 of 4 stars). 2 submissions from 2 submitters: Likely benign (1). 1 of the submissions does not count toward it. Last evaluated 2025-01-19.

Conditions:
GJB3-related disorder. Also called: GJB3-related condition.

Allele frequency attached by ClinVar (database versions not stated): 1000 Genomes Project 30x 0.00031; gnomAD exomes below 0.00001; TOPMed below 0.00001; gnomAD 0.00001; ExAC 0.00002; 1000 Genomes Project 0.00020.
gnomAD v4.1: 8 of 1,614,174 alleles (0.0005%); highest among the groups gnomAD compares: African/African-American, 0.0013%; no homozygotes.

Submissions (2):

Labcorp Genetics (formerly Invitae), Labcorp
Classification: Likely benign. Last evaluated: 2025-01-19. Review status: criteria provided, single submitter. Criteria: Invitae Variant Classification Sherloc (09022015). Collection method: clinical testing. Allele origin: germline.

PreventionGenetics, part of Exact Sciences
Classification: Likely benign for GJB3-related condition. Last evaluated: 2020-07-29. Review status: no assertion criteria provided. Collection method: clinical testing. Allele origin: germline. Not counted in ClinVar's aggregate classification.
Comment: This variant is classified as likely benign based on ACMG/AMP sequence variant interpretation guidelines (Richards et al. 2015 PMID: 25741868, with internal and published modifications).